The following is an entry in ClinVar:

NM_016247.4(IMPG2):c.3343A>T (p.Ile1115Phe)

Gene: IMPG2 (interphotoreceptor matrix proteoglycan 2; minus strand). Cytogenetic location: 3q12.3.
Variant type: single nucleotide variant.
Coding change: c.3343A>T on transcript NM_016247.4 (MANE Select); coding-DNA position 3343, A replaced by T.
Protein change: p.Ile1115Phe; replaces isoleucine 1115 with phenylalanine.
Molecular consequence: missense variant.
Genome position (GRCh38, 1-based): chr3:101,231,036, T>A on the plus strand (A>T on the coding strand, the complement: IMPG2 is on the minus strand). VCF-style: chr3-101231036-T-A. GRCh37 (hg19) VCF-style: chr3-100949880-T-A.
Other names: short protein forms I1115F.
Identifiers: ClinVar variation 1370682 (VCV001370682.6), dbSNP rs1457549119, ClinGen allele CA353848547.

ClinVar aggregate classification (germline): Uncertain significance (1 of 4 stars; one submission).

Allele frequency attached by ClinVar (database versions not stated): TOPMed below 0.00001.

Submission:

Labcorp Genetics (formerly Invitae), Labcorp
Classification: Uncertain significance. Last evaluated: 2022-07-11. Review status: criteria provided, single submitter. Criteria: Invitae Variant Classification Sherloc (09022015). Collection method: clinical testing. Allele origin: germline.
Comment: This variant has not been reported in the literature in individuals affected with IMPG2-related conditions. In summary, the available evidence is currently insufficient to determine the role of this variant in disease. Therefore, it has been classified as a Variant of Uncertain Significance. Algorithms developed to predict the effect of missense changes on protein structure and function are either unavailable or do not agree on the potential impact of this missense change (SIFT: "Deleterious"; PolyPhen-2: "Benign"; Align-GVGD: "Class C0"). ClinVar contains an entry for this variant (Variation ID: 1370682). This variant is not present in population databases (gnomAD no frequency). This sequence change replaces isoleucine, which is neutral and non-polar, with phenylalanine, which is neutral and non-polar, at codon 1115 of the IMPG2 protein (p.Ile1115Phe).